The following is an entry in ClinVar:

ClinVar aggregate classification (germline): Uncertain significance (1 of 4 stars; one submission).

Conditions:
Hypertrophic cardiomyopathy. Also called: HYPERTROPHIC MYOCARDIOPATHY. Identifiers: Orphanet 217569, MedGen C0007194, MeSH D002312, MONDO:0005045, HP:0001639.

Submission:

Labcorp Genetics (formerly Invitae), Labcorp
Classification: Uncertain significance for Hypertrophic cardiomyopathy. Last evaluated: 2024-04-05. Review status: criteria provided, single submitter. Criteria: Invitae Variant Classification Sherloc (09022015). Collection method: clinical testing. Allele origin: germline.
Comment: This sequence change replaces leucine, which is neutral and non-polar, with proline, which is neutral and non-polar, at codon 52 of the TNNI3 protein (p.Leu52Pro). This variant is not present in population databases (gnomAD no frequency). This variant has not been reported in the literature in individuals affected with TNNI3-related conditions. ClinVar contains an entry for this variant (Variation ID: 1347820). An algorithm developed to predict the effect of missense changes on protein structure and function (PolyPhen-2) suggests that this variant is likely to be disruptive. In summary, the available evidence is currently insufficient to determine the role of this variant in disease. Therefore, it has been classified as a Variant of Uncertain Significance.

NM_000363.5(TNNI3):c.155T>C (p.Leu52Pro)

Gene: TNNI3 (troponin I3, cardiac type; minus strand). Cytogenetic location: 19q13.42.
Variant type: single nucleotide variant.
Coding change: c.155T>C on transcript NM_000363.5 (MANE Select); coding-DNA position 155, T replaced by C.
Protein change: p.Leu52Pro; replaces leucine 52 with proline.
Molecular consequence: missense variant.
Genome position (GRCh38, 1-based): chr19:55,156,328, A>G on the plus strand (T>C on the coding strand, the complement: TNNI3 is on the minus strand). VCF-style: chr19-55156328-A-G. GRCh37 (hg19) VCF-style: chr19-55667696-A-G.
Other names: short protein forms L52P.
Identifiers: ClinVar variation 1347820 (VCV001347820.8), dbSNP rs2147285030, ClinGen allele CA407442102.